The following is an entry in ClinVar:

NM_004706.4(ARHGEF1):c.667G>A (p.Gly223Ser)

Gene: ARHGEF1 (Rho guanine nucleotide exchange factor 1; plus strand). Cytogenetic location: 19q13.2.
Variant type: single nucleotide variant.
Coding change: c.667G>A on transcript NM_004706.4 (MANE Select); coding-DNA position 667, G replaced by A.
Protein change: p.Gly223Ser; replaces glycine 223 with serine.
Molecular consequence: missense variant. On other transcripts: non-coding transcript variant (2).
Genome position (GRCh38, 1-based): chr19:41,894,229, G>A. VCF-style: chr19-41894229-G-A. GRCh37 (hg19) VCF-style: chr19-42398302-G-A.
Other names: c.568G>A, p.Gly190Ser (NM_001396004.1, NM_198977.2, NM_001396002.1); c.667G>A, p.Gly223Ser (NM_001396006.1, NM_001396000.1, NM_001396003.1); c.712G>A, p.Gly238Ser (NM_199002.2); short protein forms G190S, G238S, G223S.
Identifiers: ClinVar variation 3728826 (VCV003728826.2).

ClinVar aggregate classification (germline): Uncertain significance (1 of 4 stars; one submission).

Submission:

Labcorp Genetics (formerly Invitae), Labcorp
Classification: Uncertain significance. Last evaluated: 2025-01-26. Review status: criteria provided, single submitter. Criteria: Invitae Variant Classification Sherloc (09022015). Collection method: clinical testing. Allele origin: germline.
Comment: This sequence change replaces glycine, which is neutral and non-polar, with serine, which is neutral and polar, at codon 238 of the ARHGEF1 protein (p.Gly238Ser). This variant is not present in population databases (gnomAD no frequency). This variant has not been reported in the literature in individuals affected with ARHGEF1-related conditions. An algorithm developed to predict the effect of missense changes on protein structure and function outputs the following: PolyPhen-2: "Benign". The serine amino acid residue is found in multiple mammalian species, which suggests that this missense change does not adversely affect protein function. In summary, the available evidence is currently insufficient to determine the role of this variant in disease. Therefore, it has been classified as a Variant of Uncertain Significance.